The following is an entry in ClinVar:

ClinVar aggregate classification (germline): Uncertain significance (1 of 4 stars; one submission).

Submission:

Labcorp Genetics (formerly Invitae), Labcorp
Classification: Uncertain significance. Last evaluated: 2026-01-31. Review status: criteria provided, single submitter. Criteria: Invitae Variant Classification Sherloc (09022015). Collection method: clinical testing. Allele origin: germline.
Comment: This sequence change replaces aspartic acid, which is acidic and polar, with glycine, which is neutral and non-polar, at codon 406 of the POLE protein (p.Asp406Gly). This variant is not present in population databases (gnomAD no frequency). This variant has not been reported in the literature in individuals affected with POLE-related conditions. ClinVar contains an entry for this variant (Variation ID: 2098226). Invitae Evidence Modeling of protein sequence and biophysical properties (such as structural, functional, and spatial information, amino acid conservation, physicochemical variation, residue mobility, and thermodynamic stability) indicates that this missense variant is expected to disrupt POLE protein function with a positive predictive value of 80%. In summary, the available evidence is currently insufficient to determine the role of this variant in disease. Therefore, it has been classified as a Variant of Uncertain Significance.

NM_006231.4(POLE):c.1217A>G (p.Asp406Gly)

Gene: POLE (DNA polymerase epsilon, catalytic subunit; minus strand). Cytogenetic location: 12q24.33.
Variant type: single nucleotide variant.
Coding change: c.1217A>G on transcript NM_006231.4 (MANE Select); coding-DNA position 1217, A replaced by G.
Protein change: p.Asp406Gly; replaces aspartic acid 406 with glycine.
Molecular consequence: missense variant.
Genome position (GRCh38, 1-based): chr12:132,675,407, T>C on the plus strand (A>G on the coding strand, the complement: POLE is on the minus strand). VCF-style: chr12-132675407-T-C. GRCh37 (hg19) VCF-style: chr12-133251993-T-C.
Other names: short protein forms D406G.
Identifiers: ClinVar variation 2098226 (VCV002098226.4), dbSNP rs780287164, ClinGen allele CA387360686.